The following is an entry in ClinVar:

ClinVar aggregate classification (germline): Uncertain significance. Review status: criteria provided, multiple submitters, no conflicts (2 of 4 stars). 2 submissions from 2 submitters: Uncertain significance (2). Last evaluated 2025-12-21.

Conditions:
Mucopolysaccharidosis type 1. Also called: IDUA deficiency; MPS I; Mucopolysaccharidosis Type I. Identifiers: Orphanet 579, MedGen C0023786, MONDO:0001586.
Inborn genetic diseases. Identifiers: MedGen C0950123, MeSH D030342.

Allele frequency attached by ClinVar (database versions not stated): gnomAD 0.00001; gnomAD exomes 0.00002; TOPMed 0.00002; ExAC 0.00006.
gnomAD v4.1: 15 of 1,612,792 alleles (0.00093%); highest among the groups gnomAD compares: Admixed American, 0.022%; no homozygotes.

Submissions (2):

Labcorp Genetics (formerly Invitae), Labcorp
Classification: Uncertain significance for Mucopolysaccharidosis type 1. Last evaluated: 2025-12-21. Review status: criteria provided, single submitter. Criteria: Invitae Variant Classification Sherloc (09022015). Collection method: clinical testing. Allele origin: germline.
Comment: This sequence change replaces asparagine, which is neutral and polar, with threonine, which is neutral and polar, at codon 336 of the IDUA protein (p.Asn336Thr). This variant is present in population databases (rs760137408, gnomAD 0.03%). This variant has not been reported in the literature in individuals affected with IDUA-related conditions. ClinVar contains an entry for this variant (Variation ID: 2197657). Invitae Evidence Modeling of protein sequence and biophysical properties (such as structural, functional, and spatial information, amino acid conservation, physicochemical variation, residue mobility, and thermodynamic stability) has been performed for this missense variant. However, the output from this modeling did not meet the statistical confidence thresholds required to predict the impact of this variant on IDUA protein function. In summary, the available evidence is currently insufficient to determine the role of this variant in disease. Therefore, it has been classified as a Variant of Uncertain Significance.

Ambry Genetics
Classification: Uncertain significance for Inborn genetic diseases. Last evaluated: 2024-07-10. Review status: criteria provided, single submitter. Criteria: Ambry Variant Classification Scheme 2023. Collection method: clinical testing. Allele origin: germline.

NM_000203.5(IDUA):c.1007A>C (p.Asn336Thr)

Gene: IDUA (alpha-L-iduronidase; plus strand). Cytogenetic location: 4p16.3.
Variant type: single nucleotide variant.
Coding change: c.1007A>C on transcript NM_000203.5 (MANE Select); coding-DNA position 1007, A replaced by C.
Protein change: p.Asn336Thr; replaces asparagine 336 with threonine.
Molecular consequence: missense variant. On other transcripts: non-coding transcript variant (1).
Genome position (GRCh38, 1-based): chr4:1,002,303, A>C. VCF-style: chr4-1002303-A-C. GRCh37 (hg19) VCF-style: chr4-996091-A-C.
Other names: c.611A>C, p.Asn204Thr (NM_001363576.1); c.1007A>C (NM_000203.3); short protein forms N204T, N336T.
Identifiers: ClinVar variation 2197657 (VCV002197657.5), dbSNP rs760137408, ClinGen allele CA2802162.